The following is an entry in ClinVar:

ClinVar aggregate classification (germline): Pathogenic (1 of 4 stars; one submission).

Submission:

ISCA Site 6
Classification: Pathogenic. Last evaluated: 2011-08-12. Review status: criteria provided, single submitter. Criteria: Kaminsky et al. (Genet Med. 2011). Collection method: clinical testing. Allele origin: unknown. Affected: yes. Observed: 1 variant allele.
Comment: Copy number variation identified through the course of routine clinical cytogenomic testing in postnatal populations. Clinical assertions have been curated as described in Kaminsky et al. 2011.

GRCh38/hg38 1p36.33-36.32(chr1:845437-2523513)x1

Genes: MIB2 (MIB E3 ubiquitin protein ligase 2; plus strand), MIR200A (microRNA 200a; plus strand), MIR200B (microRNA 200b; plus strand), MIR429 (microRNA 429; plus strand), MIR6726 (microRNA 6726; minus strand) and 235 more. Cytogenetic location: 1p36.33-36.32.
Variant type: copy number loss.
Change: copy number 1 (one copy instead of two) of chr1:845,437-2,523,513 (1.68 Mb, GRCh38 coordinates, 1-based), cytogenetic band 1p36.33-36.32.
Identifiers: ClinVar variation 58293 (VCV000058293.2).